The following is an entry in ClinVar:

NM_001167623.2(CACNA1C):c.1136A>C (p.Glu379Ala)

Gene: CACNA1C (calcium voltage-gated channel subunit alpha1 C; plus strand). Cytogenetic location: 12p13.33.
Variant type: single nucleotide variant.
Coding change: c.1136A>C on transcript NM_001167623.2 (MANE Plus Clinical); coding-DNA position 1136, A replaced by C.
Protein change: p.Glu379Ala; replaces glutamic acid 379 with alanine.
Molecular consequence: missense variant. On other transcripts: intron variant (19).
Genome position (GRCh38, 1-based): chr12:2,504,458, A>C. VCF-style: chr12-2504458-A-C. GRCh37 (hg19) VCF-style: chr12-2613624-A-C.
Other names: c.1114-384A>C (NM_001129834.2, NM_000719.7, NM_001129837.2 and 15 more transcripts); c.1105-384A>C (NM_001129844.2); c.1136A>C, p.Glu379Ala (NM_001129840.2, NM_001167624.3, NM_001167625.2); short protein forms E379A.
Identifiers: ClinVar variation 2759150 (VCV002759150.3), dbSNP rs2099767294, ClinGen allele CA383370614.

ClinVar aggregate classification (germline): Uncertain significance (1 of 4 stars; one submission).

Conditions:
Long QT syndrome (LQTS). Identifiers: MedGen C0023976, MeSH D008133, MONDO:0002442. Disease mechanism: loss of function. Inheritance: Various modes of inheritance.

Submission:

Labcorp Genetics (formerly Invitae), Labcorp
Classification: Uncertain significance for Long QT syndrome. Last evaluated: 2024-10-28. Review status: criteria provided, single submitter. Criteria: Invitae Variant Classification Sherloc (09022015). Collection method: clinical testing. Allele origin: germline.
Comment: The CACNA1C gene has multiple clinically relevant transcripts. This variant occurs in alternate transcript NM_001129840.1, and corresponds to NM_000719.6:c.1114-384A>C in the primary transcript. This sequence change replaces glutamic acid, which is acidic and polar, with alanine, which is neutral and non-polar, at codon 379 of the CACNA1C protein (p.Glu379Ala). This variant is not present in population databases (gnomAD no frequency). This variant has not been reported in the literature in individuals affected with CACNA1C-related conditions. Experimental studies and prediction algorithms are not available or were not evaluated, and the functional significance of this variant is currently unknown. Algorithms developed to predict the effect of sequence changes on RNA splicing suggest that this variant is not likely to affect RNA splicing. In summary, the available evidence is currently insufficient to determine the role of this variant in disease. Therefore, it has been classified as a Variant of Uncertain Significance.